The following is an entry in ClinVar:

ClinVar aggregate classification (germline): Uncertain significance (1 of 4 stars; one submission).

Conditions:
Cohen syndrome (COH1). Also called: PEPPER SYNDROME; Cutis verticis gyrata, retinitis pigmentosa, and sensorineural deafness. Identifiers: Orphanet 193, MedGen C0265223, MONDO:0008999, OMIM 216550.

Submission:

Ocular Genomics Institute, Massachusetts Eye and Ear
Classification: Uncertain significance for Cohen syndrome. Last evaluated: 2021-04-08. Review status: criteria provided, single submitter. Criteria: ACMG Guidelines, 2015. Collection method: research. Allele origin: germline. Affected: yes.
Comment: Through a review of available evidence we were able to apply the following criteria: PM2. Based on this evidence we have classified this variant as Variant of Uncertain Significance.

NM_152564.5(VPS13B):c.2117T>C (p.Met706Thr)

Gene: VPS13B (vacuolar protein sorting 13 homolog B; plus strand). Cytogenetic location: 8q22.2.
Variant type: single nucleotide variant.
Coding change: c.2117T>C on transcript NM_152564.5 (MANE Select); coding-DNA position 2117, T replaced by C.
Protein change: p.Met706Thr; replaces methionine 706 with threonine.
Molecular consequence: missense variant.
Genome position (GRCh38, 1-based): chr8:99,156,652, T>C. VCF-style: chr8-99156652-T-C. GRCh37 (hg19) VCF-style: chr8-100168880-T-C.
Other names: c.2117T>C, p.Met706Thr (NM_015243.3, NM_017890.5); short protein forms M706T.
Identifiers: ClinVar variation 1065679 (VCV001065679.1), dbSNP rs2132624500, ClinGen allele CA371865060.